The following is an entry in ClinVar:

NM_004369.4(COL6A3):c.6592-16A>T

Gene: COL6A3 (collagen type VI alpha 3 chain; minus strand). Cytogenetic location: 2q37.3.
Variant type: single nucleotide variant.
Coding change: c.6592-16A>T on transcript NM_004369.4 (MANE Select); 16 bases into the intron before coding-DNA position 6592, A replaced by T.
Molecular consequence: intron variant.
Genome position (GRCh38, 1-based): chr2:237,354,950, T>A on the plus strand (A>T on the coding strand, the complement: COL6A3 is on the minus strand). VCF-style: chr2-237354950-T-A. GRCh37 (hg19) VCF-style: chr2-238263593-T-A.
Other names: c.4771-16A>T (NM_057166.5); c.5974-16A>T (NM_057167.4).
Identifiers: ClinVar variation 385843 (VCV000385843.11), dbSNP rs181698279, ClinGen allele CA2188184.

ClinVar aggregate classification (germline): Benign. Review status: criteria provided, multiple submitters, no conflicts (2 of 4 stars). 4 submissions from 4 submitters: Benign (4). Last evaluated 2026-01-21.

Conditions:
Ullrich congenital muscular dystrophy 1A. Also called: Intermediate COL6-RD; Ullrich congenital muscular dystrophy 1. Identifiers: Orphanet 75840, MedGen C0410179, MONDO:0009681, OMIM 254090.
Bethlem myopathy 1A. Also called: MYOPATHY, BENIGN CONGENITAL, WITH CONTRACTURES; Bethlem Muscular Dystrophy; Bethlem myopathy 1. Identifiers: Orphanet 610, MedGen CN029274, MONDO:0024530, OMIM 158810.
Dystonia 27 (DYT27). Identifiers: Orphanet 464440, MedGen C4225336, MONDO:0014627, OMIM 616411.

Allele frequency attached by ClinVar (database versions not stated): ESP Exome Variant Server 0.00008; gnomAD 0.00026; TOPMed 0.00040; gnomAD exomes 0.00408 and 0.00844; ExAC 0.01089; 1000 Genomes Project 30x 0.01811; 1000 Genomes Project 0.01937.
gnomAD v4.1: 6,277 of 1,613,232 alleles (0.39%); highest among the groups gnomAD compares: South Asian, 6.6%; 272 homozygotes.

Submissions (4):

Labcorp Genetics (formerly Invitae), Labcorp
Classification: Benign for Bethlem myopathy 1A. Last evaluated: 2026-01-21. Review status: criteria provided, single submitter. Criteria: Invitae Variant Classification Sherloc (09022015). Collection method: clinical testing. Allele origin: germline.

Fulgent Genetics
Classification: Benign for Bethlem myopathy 1A; Ullrich congenital muscular dystrophy 1A; Dystonia 27. Last evaluated: 2021-10-21. Review status: criteria provided, single submitter. Criteria: ACMG Guidelines, 2015. Collection method: clinical testing. Allele origin: unknown.

GeneDx
Classification: Benign. Last evaluated: 2016-08-24. Review status: criteria provided, single submitter. Criteria: GeneDx Variant Classification (06012015). Collection method: clinical testing. Allele origin: germline. Affected: yes.
Comment: This variant is considered likely benign or benign based on one or more of the following criteria: it is a conservative change, it occurs at a poorly conserved position in the protein, it is predicted to be benign by multiple in silico algorithms, and/or has population frequency not consistent with disease.

Breakthrough Genomics
Classification: Benign. Review status: criteria provided, single submitter. Criteria: ACMG Guidelines, 2015. Collection method: not provided. Allele origin: germline. Inheritance: Autosomal recessive inheritance. Affected: yes.